The following is an entry in ClinVar:

ClinVar aggregate classification (germline): Conflicting classifications of pathogenicity. Review status: criteria provided, conflicting classifications (1 of 4 stars). 9 submissions from 7 submitters: Uncertain significance (2); Likely benign (5). 2 of the submissions do not count toward it. Last evaluated 2026-01-28.

Conditions:
Leber congenital amaurosis 6 (LCA6). Identifiers: Orphanet 65, MedGen C1854260, MONDO:0013446, OMIM 613826.
Cone-rod dystrophy 13 (CORD13). Identifiers: Orphanet 1872, MedGen C2750720, MONDO:0011987, OMIM 608194.

Allele frequency attached by ClinVar (database versions not stated): ExAC 0.00040; gnomAD 0.00053 and 0.00049; gnomAD exomes 0.00081 and 0.00048; TOPMed 0.00048; ESP Exome Variant Server 0.00092.
gnomAD v4.1: 1,224 of 1,580,052 alleles (0.077%); highest among the groups gnomAD compares: Non-Finnish European, 0.098%; 3 homozygotes.

Submissions (9):

Labcorp Genetics (formerly Invitae), Labcorp
Classification: Likely benign for Leber congenital amaurosis 6; Cone-rod dystrophy 13. Last evaluated: 2026-01-28. Review status: criteria provided, single submitter. Criteria: Invitae Variant Classification Sherloc (09022015). Collection method: clinical testing. Allele origin: germline.

CeGaT Center for Human Genetics Tuebingen
Classification: Likely benign. Last evaluated: 2024-12-01. Review status: criteria provided, single submitter. Criteria: CeGaT Center For Human Genetics Tuebingen Variant Classification Criteria Version 2. Collection method: clinical testing. Allele origin: germline. Affected: yes. Observed: 1 variant allele.
Comment: RPGRIP1: BP4, BP7

Blueprint Genetics
Classification: Likely benign. Last evaluated: 2024-10-03. Review status: criteria provided, single submitter. Criteria: ACMG Guidelines, 2015. Collection method: clinical testing. Allele origin: germline.

Genome-Nilou Lab
Classification: Likely benign for Leber congenital amaurosis 6. Last evaluated: 2021-11-07. Review status: criteria provided, single submitter. Criteria: ACMG Guidelines, 2015. Collection method: clinical testing. Allele origin: germline. Affected: no.

Genome-Nilou Lab
Classification: Likely benign for Cone-rod dystrophy 13. Last evaluated: 2021-11-07. Review status: criteria provided, single submitter. Criteria: ACMG Guidelines, 2015. Collection method: clinical testing. Allele origin: germline. Affected: no.

Illumina Laboratory Services, Illumina
Classification: Uncertain significance for Leber congenital amaurosis 6. Last evaluated: 2018-01-12. Review status: criteria provided, single submitter. Criteria: ICSL Variant Classification Criteria 13 December 2019. Collection method: clinical testing. Allele origin: germline.

Illumina Laboratory Services, Illumina
Classification: Uncertain significance for Cone-rod dystrophy 13. Last evaluated: 2018-01-12. Review status: criteria provided, single submitter. Criteria: ICSL Variant Classification Criteria 13 December 2019. Collection method: clinical testing. Allele origin: germline.

Clinical Genetics DNA and cytogenetics Diagnostics Lab, Erasmus MC, Erasmus Medical Center
Classification: Likely benign. Review status: no assertion criteria provided. Collection method: clinical testing. Allele origin: germline. Affected: yes. Study: VKGL Data-share Consensus. Not counted in ClinVar's aggregate classification.

Clinical Genetics, Academic Medical Center
Classification: Benign. Review status: no assertion criteria provided. Collection method: clinical testing. Allele origin: germline. Affected: yes. Study: VKGL Data-share Consensus. Not counted in ClinVar's aggregate classification.

NM_020366.4(RPGRIP1):c.3171C>T (p.His1057=)

Gene: RPGRIP1 (RPGR interacting protein 1; plus strand). Cytogenetic location: 14q11.2.
Variant type: single nucleotide variant.
Coding change: c.3171C>T on transcript NM_020366.4 (MANE Select); coding-DNA position 3171, C replaced by T.
Protein change: p.His1057=; no amino-acid change (histidine 1057 retained).
Molecular consequence: synonymous variant.
Genome position (GRCh38, 1-based): chr14:21,330,320, C>T. VCF-style: chr14-21330320-C-T. GRCh37 (hg19) VCF-style: chr14-21798479-C-T.
Other names: c.1149C>T, p.His383= (NM_001377523.1); c.2097C>T, p.His699= (NM_001377948.1); c.1257C>T, p.His419= (NM_001377949.1); c.1146C>T, p.His382= (NM_001377950.1); c.651C>T, p.His217= (NM_001377951.1).
Identifiers: ClinVar variation 767015 (VCV000767015.34), dbSNP rs201838837, ClinGen allele CA7089439.